The following is an entry in ClinVar:

NM_152722.5(HEPACAM):c.1210C>G (p.Arg404Gly)

Gene: HEPACAM (hepatic and glial cell adhesion molecule; minus strand). Cytogenetic location: 11q24.2.
Variant type: single nucleotide variant.
Coding change: c.1210C>G on transcript NM_152722.5 (MANE Select); coding-DNA position 1210, C replaced by G.
Protein change: p.Arg404Gly; replaces arginine 404 with glycine.
Molecular consequence: missense variant.
Genome position (GRCh38, 1-based): chr11:124,921,179, G>C on the plus strand (C>G on the coding strand, the complement: HEPACAM is on the minus strand). VCF-style: chr11-124921179-G-C. GRCh37 (hg19) VCF-style: chr11-124791075-G-C.
Other names: c.1366C>G, p.Arg456Gly (NM_001411043.1); short protein forms R404G, R456G.
Identifiers: ClinVar variation 2095120 (VCV002095120.4), dbSNP rs762490963, ClinGen allele CA383137174.

ClinVar aggregate classification (germline): Uncertain significance (1 of 4 stars; one submission).

Allele frequency attached by ClinVar (database versions not stated): TOPMed below 0.00001; gnomAD 0.00001.

Submission:

Labcorp Genetics (formerly Invitae), Labcorp
Classification: Uncertain significance. Last evaluated: 2025-06-23. Review status: criteria provided, single submitter. Criteria: Invitae Variant Classification Sherloc (09022015). Collection method: clinical testing. Allele origin: germline.
Comment: This sequence change replaces arginine, which is basic and polar, with glycine, which is neutral and non-polar, at codon 404 of the HEPACAM protein (p.Arg404Gly). This variant is not present in population databases (gnomAD no frequency). This variant has not been reported in the literature in individuals affected with HEPACAM-related conditions. ClinVar contains an entry for this variant (Variation ID: 2095120). Invitae Evidence Modeling of protein sequence and biophysical properties (such as structural, functional, and spatial information, amino acid conservation, physicochemical variation, residue mobility, and thermodynamic stability) indicates that this missense variant is not expected to disrupt HEPACAM protein function with a negative predictive value of 95%. In summary, the available evidence is currently insufficient to determine the role of this variant in disease. Therefore, it has been classified as a Variant of Uncertain Significance.